The following is an entry in ClinVar:

NM_020759.3(STARD9):c.8301G>T (p.Glu2767Asp)

Gene: STARD9 (StAR related lipid transfer domain containing 9; plus strand). Cytogenetic location: 15q15.2.
Variant type: single nucleotide variant.
Coding change: c.8301G>T on transcript NM_020759.3 (MANE Select); coding-DNA position 8301, G replaced by T.
Protein change: p.Glu2767Asp; replaces glutamic acid 2767 with aspartic acid.
Molecular consequence: missense variant.
Genome position (GRCh38, 1-based): chr15:42,689,879, G>T. VCF-style: chr15-42689879-G-T. GRCh37 (hg19) VCF-style: chr15-42982077-G-T.
Other names: short protein forms E2767D.
Identifiers: ClinVar variation 3048493 (VCV003048493.2), dbSNP rs181378780, ClinGen allele CA7514583.
Genomic context (GRCh38, chr15:42,689,879, plus strand): 5'-GGCCCCTTATGATGATCCTAGAGTGACTCTGCATGAGCTAAGTCAGTCAGTTCCGCAGGA[G>T]ACTGCAGAGGGCATACCCCCTGGCAGTCAGGACAGCAGCCCAGAGCATCAGGAACCCAGA-3'
Protein context (NP_065810.2, residues 2757-2777): LHELSQSVPQ[Glu2767Asp]TAEGIPPGSQ

ClinVar aggregate classification (germline): Benign (0 of 4 stars; one submission).

Conditions:
STARD9-related disorder. Also called: STARD9-related condition.

Allele frequency attached by ClinVar (database versions not stated): ExAC 0.00025; TOPMed 0.00029; gnomAD 0.00030; 1000 Genomes Project 0.00060; 1000 Genomes Project 30x 0.00062.
gnomAD v4.1: 522 of 1,537,562 alleles (0.034%); highest among the groups gnomAD compares: East Asian, 1.1%; 4 homozygotes.

Submission:

PreventionGenetics, part of Exact Sciences
Classification: Benign for STARD9-related condition. Last evaluated: 2019-12-06. Review status: no assertion criteria provided. Collection method: clinical testing. Allele origin: germline.
Comment: This variant is classified as benign based on ACMG/AMP sequence variant interpretation guidelines (Richards et al. 2015 PMID: 25741868, with internal and published modifications).